The following is an entry in ClinVar:

ClinVar aggregate classification (germline): Uncertain significance (1 of 4 stars; one submission).

Submission:

GeneDx
Classification: Uncertain significance. Last evaluated: 2025-04-29. Review status: criteria provided, single submitter. Criteria: GeneDx Variant Classification Process June 2021. Collection method: clinical testing. Allele origin: germline. Affected: yes.
Comment: Not observed at significant frequency in large population cohorts (gnomAD); In silico analysis supports that this missense variant has a deleterious effect on protein structure/function; Has not been previously published as pathogenic or benign to our knowledge

NM_007325.5(GRIA3):c.1529C>G (p.Thr510Ser)

Gene: GRIA3 (glutamate ionotropic receptor AMPA type subunit 3; plus strand). Cytogenetic location: Xq25.
Variant type: single nucleotide variant.
Coding change: c.1529C>G on transcript NM_007325.5 (MANE Select); coding-DNA position 1529, C replaced by G.
Protein change: p.Thr510Ser; replaces threonine 510 with serine.
Molecular consequence: missense variant.
Genome position (GRCh38, 1-based): chrX:123,417,430, C>G. VCF-style: chrX-123417430-C-G. GRCh37 (hg19) VCF-style: chrX-122551281-C-G.
Other names: c.1529C>G, p.Thr510Ser (NM_000828.5); short protein forms T510S.
Identifiers: ClinVar variation 4527681 (VCV004527681.1).
Genomic context (GRCh38, chrX:123,417,430, plus strand): 5'-ATATATGTTTTCTTTTTTTTCTTTTTTTTCAGAGAGCTGATATAGCTGTTGCTCCACTCA[C>G]TATAACATTGGTCCGTGAAGAAGTCATAGATTTTTCAAAGCCATTCATGAGCCTGGGCAT-3'
Protein context (NP_015564.5, residues 500-520): GRADIAVAPL[Thr510Ser]ITLVREEVID